The following is an entry in ClinVar:

NM_001277115.2(DNAH11):c.9451G>T (p.Glu3151Ter)

Gene: DNAH11 (dynein axonemal heavy chain 11; plus strand). Cytogenetic location: 7p15.3.
Variant type: single nucleotide variant.
Coding change: c.9451G>T on transcript NM_001277115.2 (MANE Select); coding-DNA position 9451, G replaced by T.
Protein change: p.Glu3151Ter; replaces glutamic acid 3151 with a stop codon.
Molecular consequence: nonsense.
Genome position (GRCh38, 1-based): chr7:21,779,072, G>T. VCF-style: chr7-21779072-G-T. GRCh37 (hg19) VCF-style: chr7-21818690-G-T.
Other names: short protein forms E3151*.
Identifiers: ClinVar variation 1338961 (VCV001338961.2), dbSNP rs2127982551, ClinGen allele CA366937797.

ClinVar aggregate classification (germline): Pathogenic (1 of 4 stars; one submission).

Submission:

GeneDx
Classification: Pathogenic. Last evaluated: 2021-11-18. Review status: criteria provided, single submitter. Criteria: GeneDx Variant Classification Process June 2021. Collection method: clinical testing. Allele origin: germline. Affected: yes.
Comment: Nonsense variant predicted to result in protein truncation or nonsense mediated decay in a gene for which loss-of-function is a known mechanism of disease; Not observed in large population cohorts (gnomAD); Has not been previously published as pathogenic or benign to our knowledge